The following is an entry in ClinVar:

ClinVar aggregate classification (germline): Benign (1 of 4 stars; one submission).

Submission:

GeneDx
Classification: Benign. Last evaluated: 2018-06-16. Review status: criteria provided, single submitter. Criteria: GeneDx Variant Classification (06012015). Collection method: clinical testing. Allele origin: germline. Affected: yes.
Comment: This variant is considered likely benign or benign based on one or more of the following criteria: it is a conservative change, it occurs at a poorly conserved position in the protein, it is predicted to be benign by multiple in silico algorithms, and/or has population frequency not consistent with disease.

NM_001271696.3(ABCB7):c.1936-118dup

Gene: ABCB7 (ATP binding cassette subfamily B member 7; minus strand). Cytogenetic location: Xq13.3.
Variant type: Duplication.
Coding change: c.1936-118dup on transcript NM_001271696.3 (MANE Select); 118 bases into the intron before coding-DNA position 1936, one base duplicated (A; older notation c.1936-118dupA).
Molecular consequence: intron variant.
Genome position (GRCh38, 1-based): chrX:75,060,440, T duplicated on the plus strand (A on the coding strand, the reverse complement: ABCB7 is on the minus strand); the first of 9 consecutive T bases (chrX:75,060,440-75,060,448); duplicating any one gives the same sequence. VCF-style (leftmost placement, unchanged base first): chrX-75060439-G-GT. GRCh37 (hg19) VCF-style: chrX-74280274-G-GT.
Other names: c.1858-118dup (NM_001271698.3); c.1816-118dup (NM_001271697.3); c.1819-118dup (NM_001271699.3); c.1939-118dup (NM_004299.6).
Identifiers: ClinVar variation 671642 (VCV000671642.1), dbSNP rs113544170, ClinGen allele CA331330126.